The following is an entry in ClinVar:

NM_024598.4(USB1):c.352G>A (p.Val118Met)

Gene: USB1 (U6 snRNA biogenesis phosphodiesterase 1; plus strand). Cytogenetic location: 16q21.
Variant type: single nucleotide variant.
Coding change: c.352G>A on transcript NM_024598.4 (MANE Select); coding-DNA position 352, G replaced by A.
Protein change: p.Val118Met; replaces valine 118 with methionine.
Molecular consequence: missense variant.
Genome position (GRCh38, 1-based): chr16:58,010,015, G>A. VCF-style: chr16-58010015-G-A. GRCh37 (hg19) VCF-style: chr16-58043919-G-A.
Other names: c.352G>A, p.Val118Met (NM_001195302.2, NM_001204911.2, NM_001330569.2); c.199G>A, p.Val67Met (NM_001330568.2); short protein forms V118M, V67M.
Identifiers: ClinVar variation 3015889 (VCV003015889.3), dbSNP rs1480244396, ClinGen allele CA396129130.

ClinVar aggregate classification (germline): Uncertain significance (1 of 4 stars; one submission).

Allele frequency attached by ClinVar (database versions not stated): gnomAD 0.00001.
gnomAD v4.1: 1 of 1,613,930 alleles (0.000062%); highest among the groups gnomAD compares: African/African-American, 0.0013%; no homozygotes.

Submission:

Labcorp Genetics (formerly Invitae), Labcorp
Classification: Uncertain significance. Last evaluated: 2023-03-31. Review status: criteria provided, single submitter. Criteria: Invitae Variant Classification Sherloc (09022015). Collection method: clinical testing. Allele origin: germline.
Comment: In summary, the available evidence is currently insufficient to determine the role of this variant in disease. Therefore, it has been classified as a Variant of Uncertain Significance. Advanced modeling of protein sequence and biophysical properties (such as structural, functional, and spatial information, amino acid conservation, physicochemical variation, residue mobility, and thermodynamic stability) performed at Invitae indicates that this missense variant is not expected to disrupt USB1 protein function. This variant has not been reported in the literature in individuals affected with USB1-related conditions. This variant is present in population databases (no rsID available, gnomAD 0.01%). This sequence change replaces valine, which is neutral and non-polar, with methionine, which is neutral and non-polar, at codon 118 of the USB1 protein (p.Val118Met).